The following is an entry in ClinVar:

ClinVar aggregate classification (germline): Pathogenic (1 of 4 stars; one submission).

Conditions:
DICER1-related tumor predisposition. Also called: DICER1-related pleuropulmonary blastoma cancer predisposition syndrome; DICER1 syndrome. Identifiers: Orphanet 284343, MedGen C3839822, MONDO:0100216.

Submission:

Foulkes Cancer Genetics LDI, Lady Davis Institute for Medical Research
Classification: Pathogenic for Pleuropulmonary blastoma. Last evaluated: 2019-07-01. Review status: criteria provided, single submitter. Criteria: ACMG Guidelines, 2015. Collection method: curation. Allele origin: somatic. Affected: yes. Observed: 1 variant allele.
Comment: ACMG criteria met: PVS1, PM1, PM2

Literature cited by the submitters: PubMed 28524158.

NM_177438.3(DICER1):c.1786dup (p.Thr596fs)

Gene: DICER1 (dicer 1, ribonuclease III; minus strand). Cytogenetic location: 14q32.13.
Variant type: Duplication.
Coding change: c.1786dup on transcript NM_177438.3 (MANE Select); coding-DNA position 1786, one base duplicated (A; older notation c.1786dupA).
Protein change: p.Thr596fs; shifts the reading frame from threonine 596.
Molecular consequence: frameshift variant.
Genome position (GRCh38, 1-based): chr14:95,115,788, T duplicated on the plus strand (A on the coding strand, the reverse complement: DICER1 is on the minus strand). VCF-style (leftmost placement, unchanged base first): chr14-95115787-G-GT. GRCh37 (hg19) VCF-style: chr14-95582124-G-GT.
Other names: c.1786dup, p.Thr596fs (NM_001195573.1, NM_001271282.3, NM_001291628.2 and 1 more transcripts); short protein forms T596fs.
Identifiers: ClinVar variation 933100 (VCV000933100.3), dbSNP rs1892394875, ClinGen allele CA1139663669.